The following is an entry in ClinVar:

NM_003560.4(PLA2G6):c.1039G>A (p.Gly347Arg)

Gene: PLA2G6 (phospholipase A2 group VI; minus strand). Cytogenetic location: 22q13.1.
Variant type: single nucleotide variant.
Coding change: c.1039G>A on transcript NM_003560.4 (MANE Select); coding-DNA position 1039, G replaced by A.
Protein change: p.Gly347Arg; replaces glycine 347 with arginine.
Molecular consequence: missense variant.
Genome position (GRCh38, 1-based): chr22:38,132,869, C>T on the plus strand (G>A on the coding strand, the complement: PLA2G6 is on the minus strand). VCF-style: chr22-38132869-C-T. GRCh37 (hg19) VCF-style: chr22-38528876-C-T.
Other names: c.1039G>A, p.Gly347Arg (NM_001004426.3, NM_001199562.3, NM_001349864.2 and 2 more transcripts); c.505G>A, p.Gly169Arg (NM_001349867.2, NM_001349869.2); c.361G>A, p.Gly121Arg (NM_001349868.2); short protein forms G347R, G169R, G121R.
Identifiers: ClinVar variation 561083 (VCV000561083.12), dbSNP rs1569263730, ClinGen allele CA411530689.

ClinVar aggregate classification (germline): Pathogenic/Likely pathogenic. Review status: criteria provided, multiple submitters, no conflicts (2 of 4 stars). 4 submissions from 4 submitters: Pathogenic (3); Likely pathogenic (1). Last evaluated 2024-10-02.

Conditions:
Infantile neuroaxonal dystrophy (NBIA2A). Also called: SEITELBERGER DISEASE; NEURODEGENERATION WITH BRAIN IRON ACCUMULATION 2A; Infantile neuroaxonal dystrophy 1. Identifiers: Orphanet 35069, MedGen C0270724, MONDO:0024457, OMIM 256600.
Neurodegeneration with brain iron accumulation (NBIA). Identifiers: Orphanet 385, MedGen C2931845, MONDO:0018307.

Allele frequency attached by ClinVar (database versions not stated): gnomAD exomes 0.00001.
gnomAD v4.1: 4 of 1,552,272 alleles (0.00026%); highest among the groups gnomAD compares: South Asian, 0.0012%; no homozygotes.

Submissions (4):

GeneDx
Classification: Likely pathogenic. Last evaluated: 2024-10-02. Review status: criteria provided, single submitter. Criteria: GeneDx Variant Classification Process June 2021. Collection method: clinical testing. Allele origin: germline. Affected: yes.
Comment: Not observed at significant frequency in large population cohorts (gnomAD); In silico analysis supports that this missense variant has a deleterious effect on protein structure/function; This variant is associated with the following publications: (PMID: 27196560, 18799783, 37403138, 16783378, 37198191, 36435927, 25634434)

Labcorp Genetics (formerly Invitae), Labcorp
Classification: Pathogenic for Infantile neuroaxonal dystrophy. Last evaluated: 2023-09-06. Review status: criteria provided, single submitter. Criteria: Invitae Variant Classification Sherloc (09022015). Collection method: clinical testing. Allele origin: germline.
Comment: This sequence change replaces glycine, which is neutral and non-polar, with arginine, which is basic and polar, at codon 347 of the PLA2G6 protein (p.Gly347Arg). Advanced modeling of protein sequence and biophysical properties (such as structural, functional, and spatial information, amino acid conservation, physicochemical variation, residue mobility, and thermodynamic stability) performed at Invitae indicates that this missense variant is expected to disrupt PLA2G6 protein function. This variant is not present in population databases (gnomAD no frequency). This missense change has been observed in individuals with PLA2G6-related conditions (PMID: 16783378, 18799783, 25634434). It has also been observed to segregate with disease in related individuals. ClinVar contains an entry for this variant (Variation ID: 561083). For these reasons, this variant has been classified as Pathogenic.

Women's Health and Genetics/Laboratory Corporation of America, LabCorp
Classification: Pathogenic for Neurodegeneration with brain iron accumulation. Last evaluated: 2023-05-17. Review status: criteria provided, single submitter. Criteria: LabCorp Variant Classification Summary - May 2015. Collection method: clinical testing. Allele origin: germline.
Comment: Variant summary: PLA2G6 c.1039G>A (p.Gly347Arg) results in a non-conservative amino acid change in the encoded protein sequence. Four of five in-silico tools predict a damaging effect of the variant on protein function. The variant was absent in 158478 control chromosomes (gnomAD). c.1039G>A has been reported in the literature in multiple bi-allelic individuals affected with PLA2G6-related conditions and the variant segregated with the disease (examples: Gregory_2008 and Kim_2015). These data indicate that the variant is very likely to be associated with disease. The following publications have been ascertained in the context of this evaluation (PMID: 18799783, 25634434). One clinical diagnostic laboratory has submitted clinical-significance assessments for this variant to ClinVar after 2014 and classified the variant as pathogenic. Based on the evidence outlined above, the variant was classified as pathogenic.

Baylor Genetics
Classification: Pathogenic for Infantile neuroaxonal dystrophy. Review status: criteria provided, single submitter. Criteria: ACMG Guidelines, 2015. Collection method: clinical testing. Allele origin: unknown.

Literature cited by the submitters: PubMed 16783378 (cited by Labcorp Genetics (formerly Invitae), Labcorp); PubMed 18799783 (cited by Labcorp Genetics (formerly Invitae), Labcorp and Women's Health and Genetics/Laboratory Corporation of America, LabCorp); PubMed 25634434 (cited by Labcorp Genetics (formerly Invitae), Labcorp and Women's Health and Genetics/Laboratory Corporation of America, LabCorp); PubMed 25326635 (cited by Baylor Genetics).